The following is an entry in ClinVar:

ClinVar aggregate classification (germline): Uncertain significance (1 of 4 stars; one submission).

Conditions:
Rhabdoid tumor predisposition syndrome 2 (RTPS2). Identifiers: Orphanet 231108, Orphanet 69077, MedGen C2750074, MONDO:0013224, OMIM 613325.

Submission:

Labcorp Genetics (formerly Invitae), Labcorp
Classification: Uncertain significance for Rhabdoid tumor predisposition syndrome 2. Last evaluated: 2024-07-11. Review status: criteria provided, single submitter. Criteria: Invitae Variant Classification Sherloc (09022015). Collection method: clinical testing. Allele origin: germline.
Comment: This sequence change replaces glutamine, which is neutral and polar, with proline, which is neutral and non-polar, at codon 1409 of the SMARCA4 protein (p.Gln1409Pro). This variant is not present in population databases (gnomAD no frequency). This variant has not been reported in the literature in individuals affected with SMARCA4-related conditions. An algorithm developed to predict the effect of missense changes on protein structure and function (PolyPhen-2) suggests that this variant is likely to be tolerated. In summary, the available evidence is currently insufficient to determine the role of this variant in disease. Therefore, it has been classified as a Variant of Uncertain Significance.

NM_001387283.1(SMARCA4):c.4226A>C (p.Gln1409Pro)

Gene: SMARCA4 (SWI/SNF related BAF chromatin remodeling complex subunit ATPase 4; plus strand). Cytogenetic location: 19p13.2.
Variant type: single nucleotide variant.
Coding change: c.4226A>C on transcript NM_001387283.1 (MANE Plus Clinical); coding-DNA position 4226, A replaced by C.
Protein change: p.Gln1409Pro; replaces glutamine 1409 with proline.
Molecular consequence: missense variant. On other transcripts: intron variant (7).
Genome position (GRCh38, 1-based): chr19:11,039,513, A>C. VCF-style: chr19-11039513-A-C. GRCh37 (hg19) VCF-style: chr19-11150189-A-C.
Other names: c.4226A>C, p.Gln1409Pro (NM_001128849.3); c.4127A>C, p.Gln1376Pro (NM_001411150.1); c.4171-1794A>C (NM_001128844.3, NM_003072.5); c.4072-1794A>C (NM_001128847.4, NM_001374457.1, NM_001128848.2); c.4072-1785A>C (NM_001128845.2, NM_001128846.2); short protein forms Q1376P, Q1409P.
Identifiers: ClinVar variation 3659209 (VCV003659209.2).